The following is an entry in ClinVar:

ClinVar aggregate classification (germline): Uncertain significance (1 of 4 stars; one submission).

Conditions:
Tay-Sachs disease (TSD). Also called: HEXA DEFICIENCY; GM2 gangliosidosis, type 1; Hexosaminidase alpha-subunit deficiency (variant B); Sphingolipidosis, Tay-Sachs; Hexosaminidase A Deficiency; HEXA Disorders. Identifiers: Orphanet 845, MedGen C0039373, MONDO:0010100, OMIM 272800.

Submission:

Labcorp Genetics (formerly Invitae), Labcorp
Classification: Uncertain significance for Tay-Sachs disease. Last evaluated: 2025-03-27. Review status: criteria provided, single submitter. Criteria: Invitae Variant Classification Sherloc (09022015). Collection method: clinical testing. Allele origin: germline.
Comment: This sequence change replaces threonine, which is neutral and polar, with asparagine, which is neutral and polar, at codon 117 of the HEXA protein (p.Thr117Asn). This variant is not present in population databases (gnomAD no frequency). This variant has not been reported in the literature in individuals affected with HEXA-related conditions. ClinVar contains an entry for this variant (Variation ID: 2057395). Invitae Evidence Modeling of protein sequence and biophysical properties (such as structural, functional, and spatial information, amino acid conservation, physicochemical variation, residue mobility, and thermodynamic stability) indicates that this missense variant is not expected to disrupt HEXA protein function with a negative predictive value of 95%. In summary, the available evidence is currently insufficient to determine the role of this variant in disease. Therefore, it has been classified as a Variant of Uncertain Significance.

NM_000520.6(HEXA):c.350C>A (p.Thr117Asn)

Gene: HEXA (hexosaminidase subunit alpha; minus strand). Cytogenetic location: 15q23.
Variant type: single nucleotide variant.
Coding change: c.350C>A on transcript NM_000520.6 (MANE Select); coding-DNA position 350, C replaced by A.
Protein change: p.Thr117Asn; replaces threonine 117 with asparagine.
Molecular consequence: missense variant. On other transcripts: non-coding transcript variant (1).
Genome position (GRCh38, 1-based): chr15:72,355,621, G>T on the plus strand (C>A on the coding strand, the complement: HEXA is on the minus strand). VCF-style: chr15-72355621-G-T. GRCh37 (hg19) VCF-style: chr15-72647962-G-T.
Other names: c.383C>A, p.Thr128Asn (NM_001318825.2); short protein forms T117N, T128N.
Identifiers: ClinVar variation 2057395 (VCV002057395.2), dbSNP rs2542537970, ClinGen allele CA393066853.
Genomic context (GRCh38, chr15:72,355,621, plus strand): 5'-CGGAGAGCTCCCCAGACAGTCTCAGAGAGGAGTAAACACTGGTCATCATTTATGGTCAGG[G>T]TATCTGAAATGACAGAAATGAACTCATTTAGTTGGTTAAGGTTTTCTATTCTCAGATTAT-3'
Protein context (NP_000511.2, residues 107-127): LPTLESVENY[Thr117Asn]LTINDDQCLL